The following is an entry in ClinVar:

ClinVar aggregate classification (germline): Uncertain significance. Review status: criteria provided, multiple submitters, no conflicts (2 of 4 stars). 2 submissions from 2 submitters: Uncertain significance (2). Last evaluated 2025-01-27.

Conditions:
Familial infantile myasthenia (CMS6). Also called: Congenital myasthenic syndrome type 6; MYASTHENIC SYNDROME, PRESYNAPTIC, CONGENITAL, ASSOCIATED WITH EPISODIC APNEA; MYASTHENIC SYNDROME, CONGENITAL, 6, PRESYNAPTIC. Identifiers: Orphanet 590, MedGen C0393929, MONDO:0009689, OMIM 254210.
Inborn genetic diseases. Identifiers: MedGen C0950123, MeSH D030342.

Allele frequency attached by ClinVar (database versions not stated): ExAC 0.00001; gnomAD exomes 0.00002; TOPMed 0.00006; gnomAD 0.00013; 1000 Genomes Project 30x 0.00016; 1000 Genomes Project 0.00020.
gnomAD v4.1: 30 of 1,505,742 alleles (0.002%); highest among the groups gnomAD compares: African/African-American, 0.037%; no homozygotes.

Submissions (2):

Ambry Genetics
Classification: Uncertain significance for Inborn genetic diseases. Last evaluated: 2025-01-27. Review status: criteria provided, single submitter. Criteria: Ambry Variant Classification Scheme 2023. Collection method: clinical testing. Allele origin: germline.

Labcorp Genetics (formerly Invitae), Labcorp
Classification: Uncertain significance for Familial infantile myasthenia. Last evaluated: 2024-09-23. Review status: criteria provided, single submitter. Criteria: Invitae Variant Classification Sherloc (09022015). Collection method: clinical testing. Allele origin: germline.
Comment: This sequence change replaces alanine, which is neutral and non-polar, with valine, which is neutral and non-polar, at codon 247 of the CHAT protein (p.Ala247Val). This variant is present in population databases (rs561562136, gnomAD 0.02%). This variant has not been reported in the literature in individuals affected with CHAT-related conditions. ClinVar contains an entry for this variant (Variation ID: 1427770). Invitae Evidence Modeling of protein sequence and biophysical properties (such as structural, functional, and spatial information, amino acid conservation, physicochemical variation, residue mobility, and thermodynamic stability) indicates that this missense variant is not expected to disrupt CHAT protein function with a negative predictive value of 95%. In summary, the available evidence is currently insufficient to determine the role of this variant in disease. Therefore, it has been classified as a Variant of Uncertain Significance.

NM_020549.5(CHAT):c.740C>T (p.Ala247Val)

Gene: CHAT (choline O-acetyltransferase; plus strand). Cytogenetic location: 10q11.23.
Variant type: single nucleotide variant.
Coding change: c.740C>T on transcript NM_020549.5 (MANE Select); coding-DNA position 740, C replaced by T.
Protein change: p.Ala247Val; replaces alanine 247 with valine.
Molecular consequence: missense variant.
Genome position (GRCh38, 1-based): chr10:49,622,138, C>T. VCF-style: chr10-49622138-C-T. GRCh37 (hg19) VCF-style: chr10-50830184-C-T.
Other names: c.386C>T, p.Ala129Val (NM_001142929.2, NM_001142934.2, NM_020984.4 and 2 more transcripts); c.494C>T, p.Ala165Val (NM_001142933.2); c.740C>T (NM_020549.4); short protein forms A247V, A129V, A165V.
Identifiers: ClinVar variation 1427770 (VCV001427770.7), dbSNP rs561562136, ClinGen allele CA5497244.